The following is an entry in ClinVar:

ClinVar aggregate classification (germline): Uncertain significance (1 of 4 stars; one submission).

Conditions:
Glycogen storage disease, type II (IOPD). Also called: Pompe Disease; CARDIOMEGALIA GLYCOGENICA DIFFUSA; GLYCOGENOSIS, GENERALIZED, CARDIAC FORM; GSD II; POMPE DISEASE, INFANTILE-ONSET; GLYCOGEN STORAGE DISEASE II, INFANTILE-ONSET. Identifiers: Orphanet 365, MedGen C0017921, MONDO:0009290, OMIM 232300.

Submission:

Genomenon, Inc
Classification: Uncertain significance for Glycogen storage disease, type II. Last evaluated: 2026-07-01. Review status: criteria provided, single submitter. Criteria: Genomenon Sequence Variant Interpretation Standards - Updated. Collection method: curation. Allele origin: germline. Affected: yes.
Comment: GAA p.His568Asn (c.1702C>A) is a missense variant that changes the amino acid at codon 568 from Histidine to Asparagine. This variant has been observed in at least one proband with a GAA-related disorder (PMID:40225932). It is absent or not present at a significant frequency in gnomAD. In silico models predict that this variant is possibly or probably damaging. In conclusion, we classify GAA p.His568Asn (c.1702C>A) as a variant of uncertain significance.

Literature cited by the submitters: PubMed 40225932.

NM_000152.5(GAA):c.1702C>A (p.His568Asn)

Gene: GAA (alpha glucosidase; plus strand). Cytogenetic location: 17q25.3.
Variant type: single nucleotide variant.
Coding change: c.1702C>A on transcript NM_000152.5 (MANE Select); coding-DNA position 1702, C replaced by A.
Protein change: p.His568Asn; replaces histidine 568 with asparagine.
Molecular consequence: missense variant.
Genome position (GRCh38, 1-based): chr17:80,112,048, C>A. VCF-style: chr17-80112048-C-A. GRCh37 (hg19) VCF-style: chr17-78085847-C-A.
Other names: c.1702C>A, p.His568Asn (NM_001079803.3, NM_001079804.3, NM_001406741.1 and 1 more transcripts); short protein forms H568N.
Identifiers: ClinVar variation 4876549 (VCV004876549.1).